The following is an entry in ClinVar:

ClinVar aggregate classification (germline): Uncertain significance (1 of 4 stars; one submission).

Allele frequency attached by ClinVar (database versions not stated): gnomAD exomes below 0.00001; TOPMed below 0.00001; gnomAD 0.00001.
gnomAD v4.1: 4 of 1,612,892 alleles (0.00025%); highest among the groups gnomAD compares: Non-Finnish European, 0.00034%; no homozygotes.

Submission:

Labcorp Genetics (formerly Invitae), Labcorp
Classification: Uncertain significance. Last evaluated: 2025-12-26. Review status: criteria provided, single submitter. Criteria: Invitae Variant Classification Sherloc (09022015). Collection method: clinical testing. Allele origin: germline.
Comment: This sequence change replaces arginine, which is basic and polar, with tryptophan, which is neutral and slightly polar, at codon 194 of the CDH2 protein (p.Arg194Trp). The frequency data for this variant in the population databases is considered unreliable, as metrics indicate poor data quality at this position in the gnomAD database. This variant has not been reported in the literature in individuals affected with CDH2-related conditions. ClinVar contains an entry for this variant (Variation ID: 2978381). An algorithm developed to predict the effect of missense changes on protein structure and function (PolyPhen-2) suggests that this variant is likely to be disruptive. In summary, the available evidence is currently insufficient to determine the role of this variant in disease. Therefore, it has been classified as a Variant of Uncertain Significance.

NM_001792.5(CDH2):c.580C>T (p.Arg194Trp)

Gene: CDH2 (cadherin 2; minus strand). Cytogenetic location: 18q12.1.
Variant type: single nucleotide variant.
Coding change: c.580C>T on transcript NM_001792.5 (MANE Select); coding-DNA position 580, C replaced by T.
Protein change: p.Arg194Trp; replaces arginine 194 with tryptophan.
Molecular consequence: missense variant.
Genome position (GRCh38, 1-based): chr18:28,009,839, G>A on the plus strand (C>T on the coding strand, the complement: CDH2 is on the minus strand). VCF-style: chr18-28009839-G-A. GRCh37 (hg19) VCF-style: chr18-25589803-G-A.
Other names: c.487C>T, p.Arg163Trp (NM_001308176.2); short protein forms R194W, R163W.
Identifiers: ClinVar variation 2978381 (VCV002978381.3), dbSNP rs1228174771, ClinGen allele CA402243642.